The following is an entry in ClinVar:

ClinVar aggregate classification (germline): Uncertain significance (1 of 4 stars; one submission).

Conditions:
Kabuki syndrome 2 (KABUK2). Also called: KDM6A-Related Kabuki Syndrome. Identifiers: Orphanet 2322, MedGen C3275495, MONDO:0010465, OMIM 300867.

Allele frequency attached by ClinVar (database versions not stated): gnomAD exomes 0.00001.
gnomAD v4.1: 6 of 1,204,350 alleles (0.0005%); highest among the groups gnomAD compares: Middle Eastern, 0.023%; no homozygotes.

Submission:

Labcorp Genetics (formerly Invitae), Labcorp
Classification: Uncertain significance for Kabuki syndrome 2. Last evaluated: 2024-12-09. Review status: criteria provided, single submitter. Criteria: Invitae Variant Classification Sherloc (09022015). Collection method: clinical testing. Allele origin: germline.
Comment: This sequence change replaces alanine, which is neutral and non-polar, with threonine, which is neutral and polar, at codon 482 of the KDM6A protein (p.Ala482Thr). The frequency data for this variant in the population databases is considered unreliable, as metrics indicate poor data quality at this position in the gnomAD database. This variant has not been reported in the literature in individuals affected with KDM6A-related conditions. ClinVar contains an entry for this variant (Variation ID: 1905535). Invitae Evidence Modeling of protein sequence and biophysical properties (such as structural, functional, and spatial information, amino acid conservation, physicochemical variation, residue mobility, and thermodynamic stability) indicates that this missense variant is not expected to disrupt KDM6A protein function with a negative predictive value of 80%. In summary, the available evidence is currently insufficient to determine the role of this variant in disease. Therefore, it has been classified as a Variant of Uncertain Significance.

NM_001291415.2(KDM6A):c.1600G>A (p.Ala534Thr)

Gene: KDM6A (lysine demethylase 6A; plus strand). Cytogenetic location: Xp11.3.
Variant type: single nucleotide variant.
Coding change: c.1600G>A on transcript NM_001291415.2 (MANE Select); coding-DNA position 1600, G replaced by A.
Protein change: p.Ala534Thr; replaces alanine 534 with threonine.
Molecular consequence: missense variant. On other transcripts: intron variant (1).
Genome position (GRCh38, 1-based): chrX:45,062,665, G>A. VCF-style: chrX-45062665-G-A. GRCh37 (hg19) VCF-style: chrX-44921910-G-A.
Other names: c.1465G>A, p.Ala489Thr (NM_001291416.2); c.1309G>A, p.Ala437Thr (NM_001291417.2); c.556G>A, p.Ala186Thr (NM_001291421.2); c.1444G>A, p.Ala482Thr (NM_021140.4); c.1291-757G>A (NM_001291418.2); short protein forms A186T, A482T, A534T, A437T, A489T.
Identifiers: ClinVar variation 1905535 (VCV001905535.5), dbSNP rs1322780338, ClinGen allele CA412786789.